The following is an entry in ClinVar:

ClinVar aggregate classification (germline): Uncertain significance. Review status: criteria provided, multiple submitters, no conflicts (2 of 4 stars). 3 submissions from 3 submitters: Uncertain significance (3). Last evaluated 2024-10-19.

Conditions:
Inborn genetic diseases. Identifiers: MedGen C0950123, MeSH D030342.
Myopathy, lactic acidosis, and sideroblastic anemia 1 (MLASA1). Identifiers: Orphanet 2598, MedGen C4551958, MONDO:0024553, OMIM 600462.

Allele frequency attached by ClinVar (database versions not stated): ExAC 0.00002; gnomAD exomes 0.00004; gnomAD 0.00010; TOPMed 0.00015; 1000 Genomes Project 30x 0.00016; 1000 Genomes Project 0.00020; ESP Exome Variant Server 0.00023.

Submissions (3):

Ambry Genetics
Classification: Uncertain significance for Inborn genetic diseases. Last evaluated: 2024-10-19. Review status: criteria provided, single submitter. Criteria: Ambry Variant Classification Scheme 2023. Collection method: clinical testing. Allele origin: germline.

Baylor Genetics
Classification: Uncertain significance for Myopathy, lactic acidosis, and sideroblastic anemia 1. Last evaluated: 2022-10-05. Review status: criteria provided, single submitter. Criteria: ACMG Guidelines, 2015. Collection method: clinical testing. Allele origin: unknown.

Labcorp Genetics (formerly Invitae), Labcorp
Classification: Uncertain significance. Last evaluated: 2022-08-19. Review status: criteria provided, single submitter. Criteria: Invitae Variant Classification Sherloc (09022015). Collection method: clinical testing. Allele origin: germline.
Comment: This sequence change replaces glutamic acid, which is acidic and polar, with lysine, which is basic and polar, at codon 227 of the PUS1 protein (p.Glu227Lys). This variant is present in population databases (rs150144035, gnomAD 0.05%). This variant has not been reported in the literature in individuals affected with PUS1-related conditions. Algorithms developed to predict the effect of missense changes on protein structure and function are either unavailable or do not agree on the potential impact of this missense change (SIFT: "Tolerated"; PolyPhen-2: "Possibly Damaging"; Align-GVGD: "Class C0"). In summary, the available evidence is currently insufficient to determine the role of this variant in disease. Therefore, it has been classified as a Variant of Uncertain Significance.

NM_025215.6(PUS1):c.679G>A (p.Glu227Lys)

Gene: PUS1 (pseudouridine synthase 1; plus strand). Cytogenetic location: 12q24.33.
Variant type: single nucleotide variant.
Coding change: c.679G>A on transcript NM_025215.6 (MANE Select); coding-DNA position 679, G replaced by A.
Protein change: p.Glu227Lys; replaces glutamic acid 227 with lysine.
Molecular consequence: missense variant.
Genome position (GRCh38, 1-based): chr12:131,941,426, G>A. VCF-style: chr12-131941426-G-A. GRCh37 (hg19) VCF-style: chr12-132425971-G-A.
Other names: c.595G>A, p.Glu199Lys (NM_001002019.3, NM_001002020.3); c.679G>A (NM_025215.5); short protein forms E199K, E227K.
Identifiers: ClinVar variation 2077857 (VCV002077857.3), dbSNP rs150144035, ClinGen allele CA6884220.